The following is an entry in ClinVar:

NM_000836.4(GRIN2D):c.725A>G (p.Gln242Arg)

Gene: GRIN2D (glutamate ionotropic receptor NMDA type subunit 2D; plus strand). Cytogenetic location: 19q13.33.
Variant type: single nucleotide variant.
Coding change: c.725A>G on transcript NM_000836.4 (MANE Select); coding-DNA position 725, A replaced by G.
Protein change: p.Gln242Arg; replaces glutamine 242 with arginine.
Molecular consequence: missense variant.
Genome position (GRCh38, 1-based): chr19:48,404,993, A>G. VCF-style: chr19-48404993-A-G. GRCh37 (hg19) VCF-style: chr19-48908250-A-G.
Other names: short protein forms Q242R.
Identifiers: ClinVar variation 5022537 (VCV005022537.1).

ClinVar aggregate classification (germline): Uncertain significance (1 of 4 stars; one submission).

Conditions:
Inborn genetic diseases. Identifiers: MedGen C0950123, MeSH D030342.

gnomAD v4.1: 4 of 1,612,344 alleles (0.00025%); highest among the groups gnomAD compares: Non-Finnish European, 0.00034%; no homozygotes.

Submission:

Ambry Genetics
Classification: Uncertain significance for Inborn genetic diseases. Last evaluated: 2026-07-13. Review status: criteria provided, single submitter. Criteria: Ambry Variant Classification Scheme 2023. Collection method: clinical testing. Allele origin: germline.
Comment: The c.725A>G (p.Q242R) alteration is located in exon 3 (coding exon 2) of the GRIN2D gene. This alteration results from a A to G substitution at nucleotide position 725, causing the glutamine (Q) at amino acid position 242 to be replaced by an arginine (R). Based on data from gnomAD, the G allele has an overall frequency of 0.003% (1/31396) total alleles studied. The highest observed frequency was 0.007% (1/15428) of European (non-Finnish) alleles. Based on insufficient or conflicting evidence, the clinical significance of this alteration remains unclear.